The following is an entry in ClinVar:

NM_001385012.1(NBEA):c.3949C>T (p.Arg1317Ter)

Gene: NBEA (neurobeachin; plus strand). Cytogenetic location: 13q13.3.
Variant type: single nucleotide variant.
Coding change: c.3949C>T on transcript NM_001385012.1 (MANE Select); coding-DNA position 3949, C replaced by T.
Protein change: p.Arg1317Ter; replaces arginine 1317 with a stop codon.
Molecular consequence: nonsense.
Genome position (GRCh38, 1-based): chr13:35,161,837, C>T. VCF-style: chr13-35161837-C-T. GRCh37 (hg19) VCF-style: chr13-35735974-C-T.
Other names: c.3949C>T, p.Arg1317Ter (NM_001379245.1, NM_015678.5); short protein forms R1317*.
Identifiers: ClinVar variation 3382534 (VCV003382534.2).

ClinVar aggregate classification (germline): Pathogenic (1 of 4 stars; one submission).

Conditions:
Neurodevelopmental disorder with or without early-onset generalized epilepsy. Identifiers: MedGen C5436914, MONDO:0030930, OMIM 619157.

gnomAD v4.1: 2 of 1,611,606 alleles (0.00012%); highest among the groups gnomAD compares: Non-Finnish European, 0.00017%; no homozygotes.

Submission:

Juno Genomics, Hangzhou Juno Genomics, Inc
Classification: Pathogenic for Neurodevelopmental disorder with or without early-onset generalized epilepsy. Review status: criteria provided, single submitter. Criteria: ACMG Guidelines, 2015. Collection method: clinical testing. Allele origin: germline. Affected: yes.
Comment: Null variant in a gene where loss of function (LOF) is a known mechanism of disease.;The prevalence of the variant in affected individuals is significantly increased compared to the prevalence in controls.;Patient's phenotype or family history is highly specific for a disease with a single genetic etiology.;Absent from controls (or at extremely low frequency if recessive) in Genome Aggregation Database, Exome Sequencing Project, 1000 Genomes Project, or Exome Aggregation Consortium.